The following is an entry in ClinVar:

ClinVar aggregate classification (germline): Uncertain significance. Review status: criteria provided, multiple submitters, no conflicts (2 of 4 stars). 2 submissions from 2 submitters: Uncertain significance (2). Last evaluated 2026-03-12.

Conditions:
Inborn genetic diseases. Identifiers: MedGen C0950123, MeSH D030342.

Allele frequency attached by ClinVar (database versions not stated): gnomAD exomes below 0.00001; ExAC 0.00001.
gnomAD v4.1: 4 of 1,613,160 alleles (0.00025%); highest among the groups gnomAD compares: South Asian, 0.0011%; no homozygotes.

Submissions (2):

Ambry Genetics
Classification: Uncertain significance for Inborn genetic diseases. Last evaluated: 2026-03-12. Review status: criteria provided, single submitter. Criteria: Ambry Variant Classification Scheme 2023. Collection method: clinical testing. Allele origin: germline.

Labcorp Genetics (formerly Invitae), Labcorp
Classification: Uncertain significance. Last evaluated: 2023-04-25. Review status: criteria provided, single submitter. Criteria: Invitae Variant Classification Sherloc (09022015). Collection method: clinical testing. Allele origin: germline.
Comment: This sequence change replaces proline, which is neutral and non-polar, with serine, which is neutral and polar, at codon 561 of the RAI1 protein (p.Pro561Ser). In summary, the available evidence is currently insufficient to determine the role of this variant in disease. Therefore, it has been classified as a Variant of Uncertain Significance. Advanced modeling of protein sequence and biophysical properties (such as structural, functional, and spatial information, amino acid conservation, physicochemical variation, residue mobility, and thermodynamic stability) performed at Invitae indicates that this missense variant is not expected to disrupt RAI1 protein function. This variant has not been reported in the literature in individuals affected with RAI1-related conditions. This variant is present in population databases (rs748884239, gnomAD 0.003%).

NM_030665.4(RAI1):c.1681C>T (p.Pro561Ser)

Gene: RAI1 (retinoic acid induced 1; plus strand). Cytogenetic location: 17p11.2.
Variant type: single nucleotide variant.
Coding change: c.1681C>T on transcript NM_030665.4 (MANE Select); coding-DNA position 1681, C replaced by T.
Protein change: p.Pro561Ser; replaces proline 561 with serine.
Molecular consequence: missense variant.
Genome position (GRCh38, 1-based): chr17:17,794,629, C>T. VCF-style: chr17-17794629-C-T. GRCh37 (hg19) VCF-style: chr17-17697943-C-T.
Other names: c.1681C>T (NM_030665.3); short protein forms P561S.
Identifiers: ClinVar variation 2881883 (VCV002881883.4), dbSNP rs748884239, ClinGen allele CA8418379.
Genomic context (GRCh38, chr17:17,794,629, plus strand): 5'-AGGGTCAACAGCAACTCGAAGGCCAAGCCCGAGTCCGTGTCCACCTGTTCTGTGACCTCT[C>T]CTGACGACATGTCCACCAAATCTGACGACTCCTTCCAGAGCCTACACGGCAGTCTGCCGC-3'
Protein context (NP_109590.3, residues 551-571): ESVSTCSVTS[Pro561Ser]DDMSTKSDDS